The following is an entry in ClinVar:

NM_007215.4(POLG2):c.1346A>G (p.Glu449Gly)

Genes: MILR1 (mast cell immunoglobulin like receptor 1; plus strand), POLG2 (DNA polymerase gamma 2, accessory subunit; minus strand). Cytogenetic location: 17q23.3.
Variant type: single nucleotide variant.
Coding change: c.1346A>G on transcript NM_007215.4 (MANE Select); coding-DNA position 1346, A replaced by G.
Protein change: p.Glu449Gly; replaces glutamic acid 449 with glycine.
Molecular consequence: missense variant.
Genome position (GRCh38, 1-based): chr17:64,477,935, T>C on the plus strand (A>G on the coding strand, the complement: POLG2 is on the minus strand). VCF-style: chr17-64477935-T-C. GRCh37 (hg19) VCF-style: chr17-62474052-T-C.
Other names: short protein forms E449G.
Identifiers: ClinVar variation 3721535 (VCV003721535.2).

ClinVar aggregate classification (germline): Uncertain significance (1 of 4 stars; one submission).

gnomAD v4.1: 5 of 1,613,924 alleles (0.00031%); highest among the groups gnomAD compares: Non-Finnish European, 0.00042%; no homozygotes.

Submission:

Labcorp Genetics (formerly Invitae), Labcorp
Classification: Uncertain significance. Last evaluated: 2024-09-26. Review status: criteria provided, single submitter. Criteria: Invitae Variant Classification Sherloc (09022015). Collection method: clinical testing. Allele origin: germline.
Comment: This sequence change replaces glutamic acid, which is acidic and polar, with glycine, which is neutral and non-polar, at codon 449 of the POLG2 protein (p.Glu449Gly). This variant is not present in population databases (gnomAD no frequency). This variant has not been reported in the literature in individuals affected with POLG2-related conditions. An algorithm developed to predict the effect of missense changes on protein structure and function (PolyPhen-2) suggests that this variant is likely to be disruptive. Algorithms developed to predict the effect of sequence changes on RNA splicing suggest that this variant may disrupt the consensus splice site. In summary, the available evidence is currently insufficient to determine the role of this variant in disease. Therefore, it has been classified as a Variant of Uncertain Significance.